The following is an entry in ClinVar:

NM_000179.3(MSH6):c.3228C>T (p.Arg1076=)

Gene: MSH6 (mutS homolog 6; plus strand). Cytogenetic location: 2p16.3.
Variant type: single nucleotide variant.
Coding change: c.3228C>T on transcript NM_000179.3 (MANE Select); coding-DNA position 3228, C replaced by T.
Protein change: p.Arg1076=; no amino-acid change (arginine 1076 retained).
Molecular consequence: synonymous variant.
Genome position (GRCh38, 1-based): chr2:47,803,475, C>T. VCF-style: chr2-47803475-C-T. GRCh37 (hg19) VCF-style: chr2-48030614-C-T.
Other names: c.2838C>T, p.Arg946= (NM_001281492.2); c.2322C>T, p.Arg774= (NM_001281493.2, NM_001281494.2).
Identifiers: ClinVar variation 187394 (VCV000187394.15), dbSNP rs786203698, ClinGen allele CA012081.

ClinVar aggregate classification (germline): Benign/Likely benign. Review status: criteria provided, multiple submitters, no conflicts (2 of 4 stars). 8 submissions from 8 submitters: Benign (1); Likely benign (6). 1 of the submissions does not count toward it. Last evaluated 2025-12-13.

Conditions:
Hereditary nonpolyposis colorectal neoplasms. Identifiers: MedGen C0009405, MeSH D003123.
Endometrial carcinoma. Also called: Endometrial carcinoma, somatic. Identifiers: MedGen C0476089, MONDO:0002447, OMIM 608089, HP:0012114.
Mismatch repair cancer syndrome 3. Identifiers: MedGen C5436807, MONDO:0030841, OMIM 619097.
Lynch syndrome 5 (LYNCH5). Also called: Colorectal cancer, hereditary nonpolyposis, type 5; Hereditary non-polyposis colorectal cancer, type 5. Identifiers: Orphanet 144, MedGen C1833477, MONDO:0013710, OMIM 614350. Disease mechanism: loss of function.
MSH6-related disorder. Also called: MSH6-related condition; MSH6-Related disorders.
Hereditary cancer-predisposing syndrome. Also called: Tumor predisposition; Neoplastic Syndromes, Hereditary; Hereditary neoplastic syndrome; Hereditary Cancer Syndrome. Identifiers: Orphanet 140162, MedGen C0027672, MeSH D009386, MONDO:0015356.
Lynch syndrome. Identifiers: Orphanet 144, MedGen C4552100, MONDO:0005835. Disease mechanism: loss of function.

Allele frequency attached by ClinVar (database versions not stated): gnomAD exomes 0.00001.
gnomAD v4.1: 17 of 1,614,114 alleles (0.0011%); highest among the groups gnomAD compares: Non-Finnish European, 0.0014%; no homozygotes.

Submissions (8):

Labcorp Genetics (formerly Invitae), Labcorp
Classification: Likely benign for Hereditary nonpolyposis colorectal neoplasms. Last evaluated: 2025-12-13. Review status: criteria provided, single submitter. Criteria: Invitae Variant Classification Sherloc (09022015). Collection method: clinical testing. Allele origin: germline.

Myriad Genetics, Inc.
Classification: Benign for Lynch syndrome 5. Last evaluated: 2025-01-03. Review status: criteria provided, single submitter. Criteria: Myriad Autosomal Dominant, Autosomal Recessive and X-Linked Classification Criteria (2023). Collection method: clinical testing. Allele origin: unknown.
Comment: This variant is considered benign. This variant is a silent/synonymous amino acid change and it is not expected to impact splicing.

Blueprint Genetics
Classification: Likely benign. Last evaluated: 2023-10-06. Review status: criteria provided, single submitter. Criteria: ACMG Guidelines, 2015. Collection method: clinical testing. Allele origin: germline.

All of Us Research Program, National Institutes of Health
Classification: Likely benign for Lynch syndrome. Last evaluated: 2023-03-07. Review status: criteria provided, single submitter. Criteria: ACMG Guidelines, 2015. Collection method: clinical testing. Allele origin: germline. Inheritance: Autosomal dominant inheritance. Observed: 1 variant allele, 1 heterozygote.
Comment: This study involves interpretation of variants in research participants for the purpose of population health screening. Participant phenotype was not available at the time of variant classification. Additional details can be found in publication PMID: 35346344, PMCID: PMC8962531

Fulgent Genetics
Classification: Likely benign for Endometrial carcinoma; Lynch syndrome 5; Mismatch repair cancer syndrome 3. Last evaluated: 2022-04-01. Review status: criteria provided, single submitter. Criteria: ACMG Guidelines, 2015. Collection method: clinical testing. Allele origin: unknown.

Color Diagnostics, LLC DBA Color Health
Classification: Likely benign for Hereditary cancer-predisposing syndrome. Last evaluated: 2018-01-11. Review status: criteria provided, single submitter. Criteria: ACMG Guidelines, 2015. Collection method: clinical testing. Allele origin: germline.

Ambry Genetics
Classification: Likely benign for Hereditary cancer-predisposing syndrome. Last evaluated: 2014-12-04. Review status: criteria provided, single submitter. Criteria: Ambry Variant Classification Scheme 2023. Collection method: clinical testing. Allele origin: germline.

PreventionGenetics, part of Exact Sciences
Classification: Likely benign for MSH6-related condition. Last evaluated: 2021-11-19. Review status: no assertion criteria provided. Collection method: clinical testing. Allele origin: germline. Not counted in ClinVar's aggregate classification.
Comment: This variant is classified as likely benign based on ACMG/AMP sequence variant interpretation guidelines (Richards et al. 2015 PMID: 25741868, with internal and published modifications).